The following is an entry in ClinVar:

ClinVar aggregate classification (germline): Uncertain significance. Review status: criteria provided, multiple submitters, no conflicts (2 of 4 stars). 5 submissions from 5 submitters: Uncertain significance (5). Last evaluated 2025-08-21.

Conditions:
Hereditary spherocytosis type 5. Also called: EPB42-Related Spherocytosis; EPB42-Related Hereditary Spherocytosis. Identifiers: Orphanet 822, MedGen C2675192, MONDO:0012985, OMIM 612690.
Inborn genetic diseases. Identifiers: MedGen C0950123, MeSH D030342.

Allele frequency attached by ClinVar (database versions not stated): gnomAD exomes below 0.00001 and 0.00001; ExAC 0.00002; gnomAD 0.00021 and 0.00023; 1000 Genomes Project 30x 0.00031; TOPMed 0.00037; 1000 Genomes Project 0.00040.

Submissions (5):

Ambry Genetics
Classification: Uncertain significance for Inborn genetic diseases. Last evaluated: 2025-08-21. Review status: criteria provided, single submitter. Criteria: Ambry Variant Classification Scheme 2023. Collection method: clinical testing. Allele origin: germline.

ARUP Laboratories, Molecular Genetics and Genomics, ARUP Laboratories
Classification: Uncertain significance for Hereditary spherocytosis type 5. Last evaluated: 2025-06-06. Review status: criteria provided, single submitter. Criteria: ARUP Molecular Germline Variant Investigation Process 2024. Collection method: clinical testing. Allele origin: germline.
Comment: The EPB42 c.646G>C; p.Gly216Arg variant (rs199634098), to our knowledge, is not reported in the medical literature but is reported in ClinVar (Variation ID: 1443397). This variant is only observed on two alleles in the Genome Aggregation Database (v2.1.1), indicating it is not a common polymorphism. Computational analyses are uncertain whether this variant is neutral or deleterious (REVEL: 0.2). Due to limited information, the clinical significance of this variant is uncertain at this time.

Revvity Omics, Revvity
Classification: Uncertain significance for Hereditary spherocytosis type 5. Last evaluated: 2022-11-23. Review status: criteria provided, single submitter. Criteria: ACMG Guidelines, 2015. Collection method: clinical testing. Allele origin: germline.

Mayo Clinic Laboratories, Mayo Clinic
Classification: Uncertain significance. Last evaluated: 2022-11-14. Review status: criteria provided, single submitter. Criteria: ACMG Guidelines, 2015. Collection method: clinical testing. Allele origin: germline. Observed: 1 variant allele.
Comment: BP4_strong, PM2

Labcorp Genetics (formerly Invitae), Labcorp
Classification: Uncertain significance. Last evaluated: 2021-08-14. Review status: criteria provided, single submitter. Criteria: Invitae Variant Classification Sherloc (09022015). Collection method: clinical testing. Allele origin: germline.
Comment: This sequence change replaces glycine with arginine at codon 216 of the EPB42 protein (p.Gly216Arg). The glycine residue is weakly conserved and there is a moderate physicochemical difference between glycine and arginine. This variant is present in population databases (rs199634098, ExAC 0.02%). This variant has not been reported in the literature in individuals affected with EPB42-related conditions. Advanced modeling of protein sequence and biophysical properties (such as structural, functional, and spatial information, amino acid conservation, physicochemical variation, residue mobility, and thermodynamic stability) performed at Invitae indicates that this missense variant is not expected to disrupt EPB42 protein function. In summary, the available evidence is currently insufficient to determine the role of this variant in disease. Therefore, it has been classified as a Variant of Uncertain Significance.

NM_001114134.2(EPB42):c.556G>C (p.Gly186Arg)

Gene: EPB42 (erythrocyte membrane protein band 4.2; minus strand). Cytogenetic location: 15q15.2.
Variant type: single nucleotide variant.
Coding change: c.556G>C on transcript NM_001114134.2 (MANE Select); coding-DNA position 556, G replaced by C.
Protein change: p.Gly186Arg; replaces glycine 186 with arginine.
Molecular consequence: missense variant.
Genome position (GRCh38, 1-based): chr15:43,210,433, C>G on the plus strand (G>C on the coding strand, the complement: EPB42 is on the minus strand). VCF-style: chr15-43210433-C-G. GRCh37 (hg19) VCF-style: chr15-43502631-C-G.
Other names: p.Gly216Arg; c.646G>C, p.Gly216Arg (NM_000119.3); c.646G>C (NM_000119.2); short protein forms G186R, G216R.
Identifiers: ClinVar variation 1443397 (VCV001443397.10), dbSNP rs199634098, ClinGen allele CA7520583.